The following is an entry in ClinVar:

NM_000702.4(ATP1A2):c.1770C>A (p.Asp590Glu)

Gene: ATP1A2 (ATPase Na+/K+ transporting subunit alpha 2; plus strand). Cytogenetic location: 1q23.2.
Variant type: single nucleotide variant.
Coding change: c.1770C>A on transcript NM_000702.4 (MANE Select); coding-DNA position 1770, C replaced by A.
Protein change: p.Asp590Glu; replaces aspartic acid 590 with glutamic acid.
Molecular consequence: missense variant.
Genome position (GRCh38, 1-based): chr1:160,130,540, C>A. VCF-style: chr1-160130540-C-A. GRCh37 (hg19) VCF-style: chr1-160100330-C-A.
Other names: short protein forms D590E.
Identifiers: ClinVar variation 2498436 (VCV002498436.28), dbSNP rs1651740137, ClinGen allele CA343244394.
Genomic context (GRCh38, chr1:160,130,540, plus strand): 5'-GGATGAGCTGAACTTTCCCACGGAGAAGCTTTGCTTTGTGGGGCTCATGTCTATGATTGA[C>A]CCTCCCCGGGCTGCTGTGCCAGATGCTGTGGGCAAGTGCCGAAGCGCAGGCATCAAGGTA-3'
Protein context (NP_000693.1, residues 580-600): LCFVGLMSMI[Asp590Glu]PPRAAVPDAV

ClinVar aggregate classification (germline): Uncertain significance (1 of 4 stars; one submission).

Allele frequency attached by ClinVar (database versions not stated): gnomAD 0.00001.
gnomAD v4.1: 1 of 1,614,112 alleles (0.000062%); highest among the groups gnomAD compares: African/African-American, 0.0013%; no homozygotes.

Submission:

CeGaT Center for Human Genetics Tuebingen
Classification: Uncertain significance. Last evaluated: 2023-01-01. Review status: criteria provided, single submitter. Criteria: CeGaT Center For Human Genetics Tuebingen Variant Classification Criteria Version 2. Collection method: clinical testing. Allele origin: germline. Affected: yes. Observed: 1 variant allele.
Comment: ATP1A2: PM2